The following is an entry in ClinVar:

ClinVar aggregate classification (germline): Likely pathogenic (1 of 4 stars; one submission).

Conditions:
Paediatric disorders.

Submission:

North West Genomic Laboratory Hub, Manchester University NHS Foundation Trust
Classification: Likely pathogenic for Paediatric disorders. Last evaluated: 2026-04-27. Review status: criteria provided, single submitter. Criteria: ACGS Best Practice Guidelines for Variant Classification in Rare Disease 2024. Collection method: clinical testing. Allele origin: germline. Affected: yes.
Comment: PS2_Str PP3_Supp PM2_Mod

NM_001170629.2(CHD8):c.2282G>T (p.Trp761Leu)

Gene: CHD8 (chromodomain helicase DNA binding protein 8; minus strand). Cytogenetic location: 14q11.2.
Variant type: single nucleotide variant.
Coding change: c.2282G>T on transcript NM_001170629.2 (MANE Select); coding-DNA position 2282, G replaced by T.
Protein change: p.Trp761Leu; replaces tryptophan 761 with leucine.
Molecular consequence: missense variant.
Genome position (GRCh38, 1-based): chr14:21,409,933, C>A on the plus strand (G>T on the coding strand, the complement: CHD8 is on the minus strand). VCF-style: chr14-21409933-C-A. GRCh37 (hg19) VCF-style: chr14-21878092-C-A.
Other names: c.1445G>T, p.Trp482Leu (NM_020920.4); short protein forms W482L, W761L.
Identifiers: ClinVar variation 4851487 (VCV004851487.1).